The following is an entry in ClinVar:

ClinVar aggregate classification (germline): Uncertain significance (1 of 4 stars; one submission).

Submission:

Labcorp Genetics (formerly Invitae), Labcorp
Classification: Uncertain significance. Last evaluated: 2021-09-21. Review status: criteria provided, single submitter. Criteria: Invitae Variant Classification Sherloc (09022015). Collection method: clinical testing. Allele origin: germline.
Comment: In summary, the available evidence is currently insufficient to determine the role of this variant in disease. Therefore, it has been classified as a Variant of Uncertain Significance. Experimental studies and prediction algorithms are not available or were not evaluated, and the functional significance of this variant is currently unknown. This variant has not been reported in the literature in individuals affected with ADCY10-related conditions. This variant results in a copy number gain of the genomic region encompassing exon(s) 25-26 of the ADCY10 gene. While the exact position of this variant cannot be determined from the data, sub-genic copy number gains are generally in tandem (PMID: 25640679). This variant is predicted to be in-frame, and likely preserves the integrity of the reading frame.

Literature cited by the submitters: PubMed 25640679.

NC_000001.10:g.(?_167798485)_(167802420_?)dup

Gene: ADCY10 (adenylate cyclase 10; minus strand). Cytogenetic location: 1q24.2.
Variant type: Duplication.
Identifiers: ClinVar variation 1401460 (VCV001401460.4).